The following is an entry in ClinVar:

ClinVar aggregate classification (germline): Likely benign (1 of 4 stars; one submission).

Allele frequency attached by ClinVar (database versions not stated): gnomAD exomes 0.00012; gnomAD 0.00018; TOPMed 0.00023; 1000 Genomes Project 30x 0.00047; 1000 Genomes Project 0.00060.
gnomAD v4.1: 57 of 398,604 alleles (0.014%); highest among the groups gnomAD compares: East Asian, 0.19%; no homozygotes.

Submission:

CeGaT Center for Human Genetics Tuebingen
Classification: Likely benign. Last evaluated: 2023-03-01. Review status: criteria provided, single submitter. Criteria: CeGaT Center For Human Genetics Tuebingen Variant Classification Criteria Version 2. Collection method: clinical testing. Allele origin: germline. Affected: yes. Observed: 1 variant allele.
Comment: KCNQ1OT1: BS2

NM_000218.3(KCNQ1):c.1394-16873C>T

Genes: KCNQ1 (potassium voltage-gated channel subfamily Q member 1; plus strand), KCNQ1OT1 (KCNQ1 opposite strand/antisense transcript 1; minus strand). Cytogenetic location: 11p15.5.
Variant type: single nucleotide variant.
Coding change: c.1394-16873C>T on transcript NM_000218.3 (MANE Select); 16873 bases into the intron before coding-DNA position 1394, C replaced by T.
Molecular consequence: intron variant. On other transcripts: non-coding transcript variant (1).
Genome position (GRCh38, 1-based): chr11:2,645,088, C>T. VCF-style: chr11-2645088-C-T. GRCh37 (hg19) VCF-style: chr11-2666318-C-T.
Other names: c.1124-16873C>T (NM_001406837.1); c.1298-16873C>T (NM_001406836.1); c.854-16873C>T (NM_001406838.1); c.1013-16873C>T (NM_181798.2).
Identifiers: ClinVar variation 2641418 (VCV002641418.24), dbSNP rs146056271, ClinGen allele CA216157665.